The following is an entry in ClinVar:

ClinVar aggregate classification (germline): Uncertain significance. Review status: criteria provided, multiple submitters, no conflicts (2 of 4 stars). 2 submissions from 2 submitters: Uncertain significance (2). Last evaluated 2024-10-08.

Submissions (2):

GeneDx
Classification: Uncertain significance. Last evaluated: 2024-10-08. Review status: criteria provided, single submitter. Criteria: GeneDx Variant Classification Process June 2021. Collection method: clinical testing. Allele origin: germline. Affected: yes.
Comment: Not observed at significant frequency in large population cohorts (gnomAD); In silico analysis supports that this missense variant has a deleterious effect on protein structure/function; Has not been previously published as pathogenic or benign to our knowledge

Labcorp Genetics (formerly Invitae), Labcorp
Classification: Uncertain significance. Last evaluated: 2023-03-27. Review status: criteria provided, single submitter. Criteria: Invitae Variant Classification Sherloc (09022015). Collection method: clinical testing. Allele origin: germline.
Comment: An algorithm developed to predict the effect of missense changes on protein structure and function (PolyPhen-2) suggests that this variant is likely to be disruptive. In summary, the available evidence is currently insufficient to determine the role of this variant in disease. Therefore, it has been classified as a Variant of Uncertain Significance. ClinVar contains an entry for this variant (Variation ID: 1716322). This variant has not been reported in the literature in individuals affected with CDH2-related conditions. This variant is not present in population databases (gnomAD no frequency). This sequence change replaces valine, which is neutral and non-polar, with methionine, which is neutral and non-polar, at codon 87 of the CDH2 protein (p.Val87Met).

NM_001792.5(CDH2):c.259G>A (p.Val87Met)

Gene: CDH2 (cadherin 2; minus strand). Cytogenetic location: 18q12.1.
Variant type: single nucleotide variant.
Coding change: c.259G>A on transcript NM_001792.5 (MANE Select); coding-DNA position 259, G replaced by A.
Protein change: p.Val87Met; replaces valine 87 with methionine.
Molecular consequence: missense variant.
Genome position (GRCh38, 1-based): chr18:28,013,823, C>T on the plus strand (G>A on the coding strand, the complement: CDH2 is on the minus strand). VCF-style: chr18-28013823-C-T. GRCh37 (hg19) VCF-style: chr18-25593787-C-T.
Other names: c.166G>A, p.Val56Met (NM_001308176.2); c.259G>A (NM_001792.4); short protein forms V56M, V87M.
Identifiers: ClinVar variation 1716322 (VCV001716322.6), dbSNP rs2510818892, ClinGen allele CA402244415.
Genomic context (GRCh38, chr18:28,013,823, plus strand): 5'-GGGCATATATCAGGAACTTGGCATGCTCAGAAGAGAGTGGAAAGCTTCTCACGGCATACA[C>T]CATGCCATCTTCATCCACCTTAAAATCTGCAGGCTCACTGCTCTCATATTGTACTTTTCT-3'
Protein context (NP_001783.2, residues 77-97): ADFKVDEDGM[Val87Met]YAVRSFPLSS